The following is an entry in ClinVar:

NM_001042492.3(NF1):c.2749G>A (p.Val917Ile)

Gene: NF1 (neurofibromin 1; plus strand). Cytogenetic location: 17q11.2.
Variant type: single nucleotide variant.
Coding change: c.2749G>A on transcript NM_001042492.3 (MANE Select); coding-DNA position 2749, G replaced by A.
Protein change: p.Val917Ile; replaces valine 917 with isoleucine.
Molecular consequence: missense variant.
Genome position (GRCh38, 1-based): chr17:31,229,364, G>A. VCF-style: chr17-31229364-G-A. GRCh37 (hg19) VCF-style: chr17-29556382-G-A.
Other names: c.2749G>A, p.Val917Ile (NM_000267.4); short protein forms V917I.
Identifiers: ClinVar variation 457598 (VCV000457598.13), dbSNP rs752455591, ClinGen allele CA8486023.

ClinVar aggregate classification (germline): Conflicting classifications of pathogenicity. Review status: criteria provided, conflicting classifications (1 of 4 stars). 3 submissions from 3 submitters: Uncertain significance (2); Benign (1). Last evaluated 2026-01-20.

Conditions:
Cardiovascular phenotype. Identifiers: MedGen CN230736.
Hereditary cancer-predisposing syndrome. Also called: Hereditary Cancer Syndrome; Hereditary neoplastic syndrome; Tumor predisposition; Neoplastic Syndromes, Hereditary. Identifiers: Orphanet 140162, MedGen C0027672, MeSH D009386, MONDO:0015356.
Neurofibromatosis, type 1 (NF1). Also called: VON RECKLINGHAUSEN DISEASE; NEUROFIBROMATOSIS, TYPE I, SOMATIC; Peripheral type neurofibromatosis; Neurofibromatosis, type I. Identifiers: Orphanet 636, MedGen C0027831, MONDO:0018975, OMIM 162200. Disease mechanism: loss of function.

Allele frequency attached by ClinVar (database versions not stated): gnomAD exomes 0.00001; ExAC 0.00002.
gnomAD v4.1: 9 of 1,613,936 alleles (0.00056%); highest among the groups gnomAD compares: Middle Eastern, 0.017%; no homozygotes.

Submissions (3):

Labcorp Genetics (formerly Invitae), Labcorp
Classification: Benign for Neurofibromatosis, type 1. Last evaluated: 2026-01-20. Review status: criteria provided, single submitter. Criteria: Invitae Variant Classification Sherloc (09022015). Collection method: clinical testing. Allele origin: germline.

Ambry Genetics
Classification: Uncertain significance for Cardiovascular phenotype; Hereditary cancer-predisposing syndrome. Last evaluated: 2023-11-13. Review status: criteria provided, single submitter. Criteria: Ambry Variant Classification Scheme 2023. Collection method: clinical testing. Allele origin: germline.
Comment: The p.V917I variant (also known as c.2749G>A), located in coding exon 21 of the NF1 gene, results from a G to A substitution at nucleotide position 2749. The valine at codon 917 is replaced by isoleucine, an amino acid with highly similar properties. This amino acid position is well conserved in available vertebrate species. In addition, this alteration is predicted to be tolerated by in silico analysis. Since supporting evidence is limited at this time, the clinical significance of this alteration remains unclear.

Genome-Nilou Lab
Classification: Uncertain significance for Neurofibromatosis, type 1. Last evaluated: 2022-03-15. Review status: criteria provided, single submitter. Criteria: ACMG Guidelines, 2015. Collection method: clinical testing. Allele origin: germline. Affected: no.